The following is an entry in ClinVar:

ClinVar aggregate classification (germline): Uncertain significance (1 of 4 stars; one submission).

Conditions:
Neuroblastoma, susceptibility to, 3. Also called: ALK-Related Neuroblastic Tumor Susceptibility. Identifiers: Orphanet 635, MedGen C2751681, MONDO:0013083, OMIM 613014.

Submission:

Labcorp Genetics (formerly Invitae), Labcorp
Classification: Uncertain significance for Neuroblastoma, susceptibility to, 3. Last evaluated: 2024-04-25. Review status: criteria provided, single submitter. Criteria: Invitae Variant Classification Sherloc (09022015). Collection method: clinical testing. Allele origin: germline.
Comment: This sequence change falls in intron 28 of the ALK gene. It does not directly change the encoded amino acid sequence of the ALK protein. It affects a nucleotide within the consensus splice site. This variant is not present in population databases (gnomAD no frequency). This variant has not been reported in the literature in individuals affected with ALK-related conditions. Variants that disrupt the consensus splice site are a relatively common cause of aberrant splicing (PMID: 17576681, 9536098). Algorithms developed to predict the effect of sequence changes on RNA splicing suggest that this variant is not likely to affect RNA splicing. In summary, the available evidence is currently insufficient to determine the role of this variant in disease. Therefore, it has been classified as a Variant of Uncertain Significance.

Literature cited by the submitters: PubMed 17576681; PubMed 9536098.

NM_004304.5(ALK):c.4164+5A>C

Gene: ALK (ALK receptor tyrosine kinase; minus strand). Cytogenetic location: 2p23.2.
Variant type: single nucleotide variant.
Coding change: c.4164+5A>C on transcript NM_004304.5 (MANE Select); 5 bases into the intron after coding-DNA position 4164, A replaced by C.
Molecular consequence: intron variant.
Genome position (GRCh38, 1-based): chr2:29,196,765, T>G on the plus strand (A>C on the coding strand, the complement: ALK is on the minus strand). VCF-style: chr2-29196765-T-G. GRCh37 (hg19) VCF-style: chr2-29419631-T-G.
Other names: c.960+5A>C (NM_001353765.2).
Identifiers: ClinVar variation 2843239 (VCV002843239.3), dbSNP rs2148141682, ClinGen allele CA2739274292.
Genomic context (GRCh38, chr2:29,196,765, plus strand): 5'-TATTTGCCATCTTTAAGACTGTTTCATATAGAGTAAATGTTGACCAAAGGGAGAAAATGT[T>G]TTACCTGGGTGCAGTATTCAATCCTCTCCAAAATGATGGCAAAGTTGGGCCTGTCTTCAG-3'